The following is an entry in ClinVar:

ClinVar aggregate classification (germline): Uncertain significance. Review status: criteria provided, multiple submitters, no conflicts (2 of 4 stars). 2 submissions from 2 submitters: Uncertain significance (2). Last evaluated 2021-08-09.

Conditions:
Inborn genetic diseases. Identifiers: MedGen C0950123, MeSH D030342.

Allele frequency attached by ClinVar (database versions not stated): gnomAD exomes below 0.00001 and 0.00001; gnomAD 0.00002; TOPMed 0.00005.
gnomAD v4.1: 4 of 1,607,922 alleles (0.00025%); highest among the groups gnomAD compares: African/African-American, 0.0054%; no homozygotes.

Submissions (2):

Ambry Genetics
Classification: Uncertain significance for Inborn genetic diseases. Last evaluated: 2021-08-09. Review status: criteria provided, single submitter. Criteria: Ambry Variant Classification Scheme 2023. Collection method: clinical testing. Allele origin: germline.

GeneDx
Classification: Uncertain significance. Last evaluated: 2017-05-13. Review status: criteria provided, single submitter. Criteria: GeneDx Variant Classification (06012015). Collection method: clinical testing. Allele origin: germline. Affected: yes.
Comment: The A2T variant in the NDUFB3 gene has not been reported previously as a pathogenic variant, nor as a benign variant, to our knowledge. The A2T variant is not observed in large population cohorts (Lek et al., 2016; 1000 Genomes Consortium et al., 2015; Exome Variant Server). The A2T variant is a non-conservative amino acid substitution, which is likely to impact secondary protein structure as these residues differ in polarity, charge, size and/or other properties. This substitution occurs at a position that is conserved in mammals. However, in silico analysis is inconsistent in its predictions as to whether or not the variant is damaging to the protein structure/function. We interpret A2T as a variant of uncertain significance.

NM_002491.3(NDUFB3):c.4G>A (p.Ala2Thr)

Gene: NDUFB3 (NADH:ubiquinone oxidoreductase subunit B3; plus strand). Cytogenetic location: 2q33.1.
Variant type: single nucleotide variant.
Coding change: c.4G>A on transcript NM_002491.3 (MANE Select); coding-DNA position 4, G replaced by A.
Protein change: p.Ala2Thr; replaces alanine 2 with threonine.
Molecular consequence: missense variant.
Genome position (GRCh38, 1-based): chr2:201,078,886, G>A. VCF-style: chr2-201078886-G-A. GRCh37 (hg19) VCF-style: chr2-201943609-G-A.
Other names: c.4G>A, p.Ala2Thr (NM_001257102.2); short protein forms A2T.
Identifiers: ClinVar variation 429693 (VCV000429693.3), dbSNP rs978701792, ClinGen allele CA63864162.